The following is an entry in ClinVar:

ClinVar aggregate classification (germline): Uncertain significance (1 of 4 stars; one submission).

Submission:

Labcorp Genetics (formerly Invitae), Labcorp
Classification: Uncertain significance. Last evaluated: 2021-07-28. Review status: criteria provided, single submitter. Criteria: Invitae Variant Classification Sherloc (09022015). Collection method: clinical testing. Allele origin: germline.
Comment: This sequence change replaces threonine with methionine at codon 168 of the USH2A protein (p.Thr168Met). The threonine residue is moderately conserved and there is a moderate physicochemical difference between threonine and methionine. The frequency data for this variant in the population databases is not available, as this variant may be reported as separate entries in the ExAC database. This variant has not been reported in the literature in individuals affected with USH2A-related conditions. Algorithms developed to predict the effect of missense changes on protein structure and function are either unavailable or do not agree on the potential impact of this missense change (SIFT: "Not Available"; PolyPhen-2: "Benign"; Align-GVGD: "Not Available"). Algorithms developed to predict the effect of sequence changes on RNA splicing suggest that this variant may create or strengthen a splice site. In summary, the available evidence is currently insufficient to determine the role of this variant in disease. Therefore, it has been classified as a Variant of Uncertain Significance.

NM_206933.4(USH2A):c.503_504inv (p.Thr168Met)

Gene: USH2A (usherin; minus strand). Cytogenetic location: 1q41.
Variant type: Inversion.
Coding change: c.503_504inv on transcript NM_206933.4 (MANE Select).
Protein change: p.Thr168Met; replaces threonine 168 with methionine.
Molecular consequence: missense variant.
Genome position: GRCh38 VCF-style: chr1-216418661-TG-CA. GRCh37 (hg19) VCF-style: chr1-216592003-TG-CA.
Other names: c.503_504inv, p.Thr168Met (NM_007123.6); short protein forms T168M.
Identifiers: ClinVar variation 2142501 (VCV002142501.1), ClinGen allele CA2580062147.